The following is an entry in ClinVar:

NM_004104.5(FASN):c.4931A>C (p.Glu1644Ala)

Gene: FASN (fatty acid synthase; minus strand). Cytogenetic location: 17q25.3.
Variant type: single nucleotide variant.
Coding change: c.4931A>C on transcript NM_004104.5 (MANE Select); coding-DNA position 4931, A replaced by C.
Protein change: p.Glu1644Ala; replaces glutamic acid 1644 with alanine.
Molecular consequence: missense variant.
Genome position (GRCh38, 1-based): chr17:82,084,142, T>G on the plus strand (A>C on the coding strand, the complement: FASN is on the minus strand). VCF-style: chr17-82084142-T-G. GRCh37 (hg19) VCF-style: chr17-80042018-T-G.
Other names: short protein forms E1644A.
Identifiers: ClinVar variation 847362 (VCV000847362.10), dbSNP rs867655381, ClinGen allele CA295128414.

ClinVar aggregate classification (germline): Uncertain significance. Review status: criteria provided, multiple submitters, no conflicts (2 of 4 stars). 2 submissions from 2 submitters: Uncertain significance (2). Last evaluated 2024-10-30.

Conditions:
Epileptic encephalopathy. Identifiers: MedGen C0543888, HP:0200134.

Allele frequency attached by ClinVar (database versions not stated): TOPMed 0.00001.
gnomAD v4.1: 1 of 1,595,512 alleles (0.000063%); highest among the groups gnomAD compares: African/African-American, 0.0013%; no homozygotes.

Submissions (2):

Labcorp Genetics (formerly Invitae), Labcorp
Classification: Uncertain significance for Epileptic encephalopathy. Last evaluated: 2024-10-30. Review status: criteria provided, single submitter. Criteria: Invitae Variant Classification Sherloc (09022015). Collection method: clinical testing. Allele origin: germline.
Comment: This sequence change replaces glutamic acid, which is acidic and polar, with alanine, which is neutral and non-polar, at codon 1644 of the FASN protein (p.Glu1644Ala). This variant is present in population databases (no rsID available, gnomAD 0.008%). This variant has not been reported in the literature in individuals affected with FASN-related conditions. ClinVar contains an entry for this variant (Variation ID: 847362). An algorithm developed to predict the effect of missense changes on protein structure and function (PolyPhen-2) suggests that this variant is likely to be tolerated. In summary, the available evidence is currently insufficient to determine the role of this variant in disease. Therefore, it has been classified as a Variant of Uncertain Significance.

Ambry Genetics
Classification: Uncertain significance. Last evaluated: 2022-12-27. Review status: criteria provided, single submitter. Criteria: Ambry Variant Classification Scheme 2023. Collection method: clinical testing. Allele origin: germline.